The following is an entry in ClinVar:

NM_002439.5(MSH3):c.1087A>G (p.Thr363Ala)

Gene: MSH3 (mutS homolog 3; plus strand). Cytogenetic location: 5q14.1.
Variant type: single nucleotide variant.
Coding change: c.1087A>G on transcript NM_002439.5 (MANE Select); coding-DNA position 1087, A replaced by G.
Protein change: p.Thr363Ala; replaces threonine 363 with alanine.
Molecular consequence: missense variant.
Genome position (GRCh38, 1-based): chr5:80,675,042, A>G. VCF-style: chr5-80675042-A-G. GRCh37 (hg19) VCF-style: chr5-79970861-A-G.
Other names: short protein forms T363A.
Identifiers: ClinVar variation 3700614 (VCV003700614.2).

ClinVar aggregate classification (germline): Uncertain significance (1 of 4 stars; one submission).

Submission:

Labcorp Genetics (formerly Invitae), Labcorp
Classification: Uncertain significance. Last evaluated: 2024-05-15. Review status: criteria provided, single submitter. Criteria: Invitae Variant Classification Sherloc (09022015). Collection method: clinical testing. Allele origin: germline.
Comment: This sequence change replaces threonine, which is neutral and polar, with alanine, which is neutral and non-polar, at codon 363 of the MSH3 protein (p.Thr363Ala). This variant is not present in population databases (gnomAD no frequency). This variant has not been reported in the literature in individuals affected with MSH3-related conditions. Algorithms developed to predict the effect of missense changes on protein structure and function output the following: SIFT: "Not Available"; PolyPhen-2: "Benign"; Align-GVGD: "Not Available". The alanine amino acid residue is found in multiple mammalian species, which suggests that this missense change does not adversely affect protein function. In summary, the available evidence is currently insufficient to determine the role of this variant in disease. Therefore, it has been classified as a Variant of Uncertain Significance.